The following is an entry in ClinVar:

ClinVar aggregate classification (germline): Uncertain significance (1 of 4 stars; one submission).

gnomAD v4.1: 2 of 1,611,926 alleles (0.00012%); highest among the groups gnomAD compares: Non-Finnish European, 0.00017%; no homozygotes.

Submission:

Women's Health and Genetics/Laboratory Corporation of America, LabCorp
Classification: Uncertain significance. Last evaluated: 2024-10-09. Review status: criteria provided, single submitter. Criteria: LabCorp Variant Classification Summary - May 2015. Collection method: clinical testing. Allele origin: germline.
Comment: Variant summary: KIDINS220 c.1796T>A (p.Phe599Tyr) results in a conservative amino acid change located in the KAP family P-loop domain (IPR011646) of the encoded protein sequence. Three of five in-silico tools predict a damaging effect of the variant on protein function. The variant allele was found at a frequency of 1.6e-05 in 247386 control chromosomes. The available data on variant occurrences in the general population are insufficient to allow any conclusion about variant significance. To our knowledge, no occurrence of c.1796T>A in individuals affected with Spastic Paraplegia, Intellectual Disability, Nystagmus, And Obesity and no experimental evidence demonstrating its impact on protein function have been reported. No submitters have cited clinical-significance assessments for this variant to ClinVar. Based on the evidence outlined above, the variant was classified as uncertain significance.

NM_020738.4(KIDINS220):c.1796T>A (p.Phe599Tyr)

Gene: KIDINS220 (kinase D interacting substrate 220; minus strand). Cytogenetic location: 2p25.1.
Variant type: single nucleotide variant.
Coding change: c.1796T>A on transcript NM_020738.4 (MANE Select); coding-DNA position 1796, T replaced by A.
Protein change: p.Phe599Tyr; replaces phenylalanine 599 with tyrosine.
Molecular consequence: missense variant. On other transcripts: non-coding transcript variant (2).
Genome position (GRCh38, 1-based): chr2:8,786,349, A>T on the plus strand (T>A on the coding strand, the complement: KIDINS220 is on the minus strand). VCF-style: chr2-8786349-A-T. GRCh37 (hg19) VCF-style: chr2-8926479-A-T.
Other names: c.1799T>A, p.Phe600Tyr (NM_001348729.2, NM_001348731.2, NM_001348734.2 and 3 more transcripts); c.1796T>A, p.Phe599Tyr (NM_001348732.2, NM_001348735.2, NM_001348738.2 and 3 more transcripts); c.1670T>A, p.Phe557Tyr (NM_001348736.2); short protein forms F557Y, F599Y, F600Y.
Identifiers: ClinVar variation 3384813 (VCV003384813.1).
Genomic context (GRCh38, chr2:8,786,349, plus strand): 5'-GCAATCATTTCAGCCAGAGAAGTTTCTCCACCTACACTGGACAGTCTATTGTAATCTGTA[A>T]ACAAAAACCTTGAAGAAAAGAACAAATCAAACATTACTTTATTATCTAAAGTAACAAATA-3'
Protein context (NP_065789.1, residues 589-609): TTKALPVRFL[Phe599Tyr]TDYNRLSSVG